The following is an entry in ClinVar:

ClinVar aggregate classification (germline): Uncertain significance (1 of 4 stars; one submission).

Submission:

Labcorp Genetics (formerly Invitae), Labcorp
Classification: Uncertain significance. Last evaluated: 2023-04-14. Review status: criteria provided, single submitter. Criteria: Invitae Variant Classification Sherloc (09022015). Collection method: clinical testing. Allele origin: germline.
Comment: This sequence change replaces aspartic acid, which is acidic and polar, with glutamic acid, which is acidic and polar, at codon 819 of the C3 protein (p.Asp819Glu). This variant is not present in population databases (gnomAD no frequency). This variant has not been reported in the literature in individuals affected with C3-related conditions. Advanced modeling of protein sequence and biophysical properties (such as structural, functional, and spatial information, amino acid conservation, physicochemical variation, residue mobility, and thermodynamic stability) performed at Invitae indicates that this missense variant is not expected to disrupt C3 protein function. In summary, the available evidence is currently insufficient to determine the role of this variant in disease. Therefore, it has been classified as a Variant of Uncertain Significance.

NM_000064.4(C3):c.2457C>A (p.Asp819Glu)

Gene: C3 (complement C3; minus strand). Cytogenetic location: 19p13.3.
Variant type: single nucleotide variant.
Coding change: c.2457C>A on transcript NM_000064.4 (MANE Select); coding-DNA position 2457, C replaced by A.
Protein change: p.Asp819Glu; replaces aspartic acid 819 with glutamic acid.
Molecular consequence: missense variant.
Genome position (GRCh38, 1-based): chr19:6,697,778, G>T on the plus strand (C>A on the coding strand, the complement: C3 is on the minus strand). VCF-style: chr19-6697778-G-T. GRCh37 (hg19) VCF-style: chr19-6697789-G-T.
Other names: short protein forms D819E.
Identifiers: ClinVar variation 2856337 (VCV002856337.3), dbSNP rs2512248174, ClinGen allele CA403634154.